The following is an entry in ClinVar:

NM_053025.4(MYLK):c.2222C>T (p.Ser741Phe)

Gene: MYLK (myosin light chain kinase; minus strand). Cytogenetic location: 3q21.1.
Variant type: single nucleotide variant.
Coding change: c.2222C>T on transcript NM_053025.4 (MANE Select); coding-DNA position 2222, C replaced by T.
Protein change: p.Ser741Phe; replaces serine 741 with phenylalanine.
Molecular consequence: missense variant.
Genome position (GRCh38, 1-based): chr3:123,707,922, G>A on the plus strand (C>T on the coding strand, the complement: MYLK is on the minus strand). VCF-style: chr3-123707922-G-A. GRCh37 (hg19) VCF-style: chr3-123426769-G-A.
Other names: c.1694C>T, p.Ser565Phe (NM_001321309.2); c.2015C>T, p.Ser672Phe (NM_053026.4, NM_053028.4); c.2222C>T, p.Ser741Phe (NM_053027.4); short protein forms S672F, S741F, S565F.
Identifiers: ClinVar variation 3015645 (VCV003015645.3), dbSNP rs2474288954, ClinGen allele CA354234013.
Genomic context (GRCh38, chr3:123,707,922, plus strand): 5'-AGGGCTTTGCCATCTCTGAGCCAGTGCACGGTAGGAAAGGGGTCACCAGCTATGGCGCAG[G>A]AGATGAGGACACTCTGGCCCAGGGAGGCTGTCACTGAGCGAGGCTTACTGATGAACCAGG-3'
Protein context (NP_444253.3, residues 731-751): TASLGQSVLI[Ser741Phe]CAIAGDPFPT

ClinVar aggregate classification (germline): Uncertain significance (1 of 4 stars; one submission).

Conditions:
Aortic aneurysm, familial thoracic 7 (AAT7). Also called: AORTIC DISSECTION, FAMILIAL, WITH OR WITHOUT AORTIC ANEURYSM. Identifiers: MedGen C3151077, MONDO:0013418, OMIM 613780.

Allele frequency attached by ClinVar (database versions not stated): gnomAD exomes below 0.00001.
gnomAD v4.1: 1 of 1,614,234 alleles (0.000062%); highest among the groups gnomAD compares: Non-Finnish European, 0.000085%; no homozygotes.

Submission:

Labcorp Genetics (formerly Invitae), Labcorp
Classification: Uncertain significance for Aortic aneurysm, familial thoracic 7. Last evaluated: 2023-09-01. Review status: criteria provided, single submitter. Criteria: Invitae Variant Classification Sherloc (09022015). Collection method: clinical testing. Allele origin: germline.
Comment: In summary, the available evidence is currently insufficient to determine the role of this variant in disease. Therefore, it has been classified as a Variant of Uncertain Significance. Advanced modeling of protein sequence and biophysical properties (such as structural, functional, and spatial information, amino acid conservation, physicochemical variation, residue mobility, and thermodynamic stability) performed at Invitae indicates that this missense variant is not expected to disrupt MYLK protein function. This variant has not been reported in the literature in individuals affected with MYLK-related conditions. This variant is not present in population databases (gnomAD no frequency). This sequence change replaces serine, which is neutral and polar, with phenylalanine, which is neutral and non-polar, at codon 741 of the MYLK protein (p.Ser741Phe).